The following is an entry in ClinVar:

ClinVar aggregate classification (germline): Uncertain significance (1 of 4 stars; one submission).

Conditions:
Catecholaminergic polymorphic ventricular tachycardia 1. Also called: VENTRICULAR TACHYCARDIA, STRESS-INDUCED POLYMORPHIC 1; RYR2-Related Catecholaminergic Polymorphic Ventricular Tachycardia; VENTRICULAR TACHYCARDIA, CATECHOLAMINERGIC POLYMORPHIC, 1, WITH OR WITHOUT ATRIAL DYSFUNCTION AND/OR DILATED CARDIOMYOPATHY. Identifiers: Orphanet 3286, MedGen C1631597, MONDO:0011484, OMIM 604772.

gnomAD v4.1: 1 of 1,609,588 alleles (0.000062%); no homozygotes.

Submission:

Labcorp Genetics (formerly Invitae), Labcorp
Classification: Uncertain significance for Catecholaminergic polymorphic ventricular tachycardia 1. Last evaluated: 2025-12-31. Review status: criteria provided, single submitter. Criteria: Invitae Variant Classification Sherloc (09022015). Collection method: clinical testing. Allele origin: germline.
Comment: This sequence change replaces isoleucine, which is neutral and non-polar, with leucine, which is neutral and non-polar, at codon 952 of the RYR2 protein (p.Ile952Leu). This variant is not present in population databases (gnomAD no frequency). This variant has not been reported in the literature in individuals affected with RYR2-related conditions. Invitae Evidence Modeling of protein sequence and biophysical properties (such as structural, functional, and spatial information, amino acid conservation, physicochemical variation, residue mobility, and thermodynamic stability) indicates that this missense variant is not expected to disrupt RYR2 protein function with a negative predictive value of 95%. In summary, the available evidence is currently insufficient to determine the role of this variant in disease. Therefore, it has been classified as a Variant of Uncertain Significance.

NM_001035.3(RYR2):c.2854A>C (p.Ile952Leu)

Gene: RYR2 (ryanodine receptor 2; plus strand). Cytogenetic location: 1q43.
Variant type: single nucleotide variant.
Coding change: c.2854A>C on transcript NM_001035.3 (MANE Select); coding-DNA position 2854, A replaced by C.
Protein change: p.Ile952Leu; replaces isoleucine 952 with leucine.
Molecular consequence: missense variant.
Genome position (GRCh38, 1-based): chr1:237,530,458, A>C. VCF-style: chr1-237530458-A-C. GRCh37 (hg19) VCF-style: chr1-237693758-A-C.
Other names: short protein forms I952L.
Identifiers: ClinVar variation 4800063 (VCV004800063.1).